The following is an entry in ClinVar:

ClinVar aggregate classification (germline): Uncertain significance (1 of 4 stars; one submission).

Conditions:
Aortic aneurysm, familial thoracic 4 (AAT4). Also called: AORTIC ANEURYSM/AORTIC DISSECTION AND PATENT DUCTUS ARTERIOSUS. Identifiers: MedGen C1851504, MONDO:0007568, OMIM 132900.

Submission:

Labcorp Genetics (formerly Invitae), Labcorp
Classification: Uncertain significance for Aortic aneurysm, familial thoracic 4. Last evaluated: 2021-01-13. Review status: criteria provided, single submitter. Criteria: Invitae Variant Classification Sherloc (09022015). Collection method: clinical testing. Allele origin: germline.
Comment: In summary, the available evidence is currently insufficient to determine the role of this variant in disease. Therefore, it has been classified as a Variant of Uncertain Significance. Algorithms developed to predict the effect of missense changes on protein structure and function output the following: SIFT: "Tolerated"; PolyPhen-2: "Benign"; Align-GVGD: "Class C0". The threonine amino acid residue is found in multiple mammalian species, suggesting that this missense change does not adversely affect protein function. These predictions have not been confirmed by published functional studies and their clinical significance is uncertain. This variant has not been reported in the literature in individuals with MYH11-related conditions. This variant is not present in population databases (ExAC no frequency). This sequence change replaces serine with threonine at codon 346 of the MYH11 protein (p.Ser346Thr). The serine residue is moderately conserved and there is a small physicochemical difference between serine and threonine.

NM_002474.3(MYH11):c.1016G>C (p.Ser339Thr)

Gene: MYH11 (myosin heavy chain 11; minus strand). Cytogenetic location: 16p13.11.
Variant type: single nucleotide variant.
Coding change: c.1016G>C on transcript NM_002474.3 (MANE Select); coding-DNA position 1016, G replaced by C.
Protein change: p.Ser339Thr; replaces serine 339 with threonine.
Molecular consequence: missense variant.
Genome position (GRCh38, 1-based): chr16:15,771,586, C>G on the plus strand (G>C on the coding strand, the complement: MYH11 is on the minus strand). VCF-style: chr16-15771586-C-G. GRCh37 (hg19) VCF-style: chr16-15865443-C-G.
Other names: c.1037G>C, p.Ser346Thr (NM_001040113.2, NM_001040114.2); c.1016G>C, p.Ser339Thr (NM_022844.3); short protein forms S346T, S339T.
Identifiers: ClinVar variation 1502224 (VCV001502224.8), dbSNP rs2151291266, ClinGen allele CA394867569.
Genomic context (GRCh38, chr16:15,771,586, plus strand): 5'-TATCCAGGCAAGCTACCCTCCAGACTCAAGGTGTGAGGCTTACATAGCTGCTCCTCCTCG[C>G]TGAAACCCATGATTGCCATGGCCTCCACGGTTTCCTGGAACATCTCATCATCCTGGGCTG-3'
Protein context (NP_002465.1, residues 329-349): TVEAMAIMGF[Ser339Thr]EEEQLSILKV